The following is an entry in ClinVar:

ClinVar aggregate classification (germline): Pathogenic. Review status: criteria provided, multiple submitters, no conflicts (2 of 4 stars). 3 submissions from 3 submitters: Pathogenic (3). Last evaluated 2020-06-10.

Conditions:
Cerebral cavernous malformation (CCM). Also called: Cerebral cavernous hemangioma (type); CAVERNOUS ANGIOMA, FAMILIAL; CAVERNOUS ANGIOMATOUS MALFORMATIONS; CEREBRAL CAPILLARY MALFORMATIONS; Cavernous Hemangioma of Brain; Cerebral cavernous malformations. Identifiers: Orphanet 221061, MedGen C2919945, MONDO:0000820, OMIM 116860, HP:0033522.

Allele frequency attached by ClinVar (database versions not stated): gnomAD exomes below 0.00001.
gnomAD v4.1: 1 of 1,598,302 alleles (0.000063%); highest among the groups gnomAD compares: Non-Finnish European, 0.000086%; no homozygotes.

Submissions (3):

Athena Diagnostics
Classification: Pathogenic. Last evaluated: 2020-06-10. Review status: criteria provided, single submitter. Criteria: Athena Diagnostics Criteria. Collection method: clinical testing. Allele origin: unknown.
Comment: The variant disrupts a canonical splice site, and is therefore predicted to result in the loss of a functional protein. Found in at least one patient with expected phenotype for this gene, and not found in general population data.

Labcorp Genetics (formerly Invitae), Labcorp
Classification: Pathogenic for Cerebral cavernous malformation. Last evaluated: 2019-03-13. Review status: criteria provided, single submitter. Criteria: Invitae Variant Classification Sherloc (09022015). Collection method: clinical testing. Allele origin: germline.
Comment: Donor and acceptor splice site variants typically lead to a loss of protein function (PMID: 16199547), and loss-of-function variants in KRIT1 are known to be pathogenic (PMID: 10508515, 11222804, 12404106, 24689081). For these reasons, this variant has been classified as Pathogenic. Algorithms developed to predict the effect of sequence changes on RNA splicing suggest that this variant may disrupt the consensus splice site, but this prediction has not been confirmed by published transcriptional studies. This sequence change affects an acceptor splice site in intron 13 of the KRIT1 gene. It is expected to disrupt RNA splicing and likely results in an absent or disrupted protein product. This variant is not present in population databases (ExAC no frequency). Disruption of this splice site has been observed in an individual affected with cerebral cavernous malformations (PMID: 12404106).

Seattle Children's Hospital Molecular Genetics Laboratory, Seattle Children's Hospital
Classification: Pathogenic for Cerebral cavernous malformation. Review status: criteria provided, single submitter. Criteria: ACMG Guidelines, 2015. Collection method: clinical testing. Allele origin: germline. Affected: yes.
Comment: The heterozygous c.1255-2A>G variant in the splice acceptor site of intron 13 of the KRIT1 gene is predicted to cause out-of-frame skipping of exon 14. This variant is predicted to cause a loss of protein function either through nonsense mediated decay or result in a truncated protein that lacks multiple critical domains (UniProt #O00522). This variant has not been reported in the medical literature and is rare in large population studies (1 of 1,598302 alleles, gnomAD v4.1.0). Other splice acceptor site variants in the KRIT1 gene have been reported in individuals with cerebral cavernous malformations (CCMs) (PMID: 12404106).

Literature cited by the submitters: PubMed 16199547 (cited by Labcorp Genetics (formerly Invitae), Labcorp); PubMed 10508515 (cited by Labcorp Genetics (formerly Invitae), Labcorp); PubMed 11222804 (cited by Labcorp Genetics (formerly Invitae), Labcorp); PubMed 12404106 (cited by Labcorp Genetics (formerly Invitae), Labcorp); PubMed 24689081 (cited by Labcorp Genetics (formerly Invitae), Labcorp).

NM_194454.3(KRIT1):c.1255-2A>G

Gene: KRIT1 (KRIT1 ankyrin repeat containing; minus strand). Cytogenetic location: 7q21.2.
Variant type: single nucleotide variant.
Coding change: c.1255-2A>G on transcript NM_194454.3 (MANE Select); the canonical splice acceptor site of the intron before coding-DNA position 1255, A replaced by G.
Molecular consequence: splice acceptor variant.
Genome position (GRCh38, 1-based): chr7:92,222,980, T>C on the plus strand (A>G on the coding strand, the complement: KRIT1 is on the minus strand). VCF-style: chr7-92222980-T-C. GRCh37 (hg19) VCF-style: chr7-91852294-T-C.
Other names: c.1255-2A>G (NM_001350672.1, NM_001350676.1, NM_001350673.1 and 26 more transcripts); c.1111-2A>G (NM_001350669.1, NM_001013406.2, NM_001350670.1); c.541-2A>G (NM_001350671.1).
Identifiers: ClinVar variation 859572 (VCV000859572.12), dbSNP rs1795437460, ClinGen allele CA368148520.
Genomic context (GRCh38, chr7:92,222,980, plus strand): 5'-TGCTTCAATTCAACAGAACGATATGACCCATCCATTCTGTATATTCGAACTTTTTCATAC[T>C]ACAAGAAACGATAACTTACGTAACGAACTTAAAAAATTATACATCACAATCTAACAAGAT-3'